The following is an entry in ClinVar:

NM_001374259.2(IL12RB2):c.943C>A (p.Gln315Lys)

Gene: IL12RB2 (interleukin 12 receptor subunit beta 2; plus strand). Cytogenetic location: 1p31.3.
Variant type: single nucleotide variant.
Coding change: c.943C>A on transcript NM_001374259.2 (MANE Select); coding-DNA position 943, C replaced by A.
Protein change: p.Gln315Lys; replaces glutamine 315 with lysine.
Molecular consequence: missense variant. On other transcripts: non-coding transcript variant (2).
Genome position (GRCh38, 1-based): chr1:67,330,795, C>A. VCF-style: chr1-67330795-C-A. GRCh37 (hg19) VCF-style: chr1-67796478-C-A.
Other names: c.943C>A, p.Gln315Lys (NM_001258214.1, NM_001258215.1, NM_001258216.1 and 2 more transcripts); short protein forms Q315K.
Identifiers: ClinVar variation 4711682 (VCV004711682.1).
Genomic context (GRCh38, chr1:67,330,795, plus strand): 5'-TCCTCTAAGCTACATCTTTATAAGGGAAGTTGGAGTGATTGGAGTGAATCATTGAGAGCA[C>A]AAACACCAGAAGAAGGTATATGTCCAAAATATACATACCTATCGGGGAGCAATAAAGGGG-3'
Protein context (NP_001361188.1, residues 305-325): WSDWSESLRA[Gln315Lys]TPEEEPTGML

ClinVar aggregate classification (germline): Uncertain significance (1 of 4 stars; one submission).

gnomAD v4.1: 1 of 1,571,152 alleles (0.000064%); highest among the groups gnomAD compares: Non-Finnish European, 0.000088%; no homozygotes.

Submission:

Labcorp Genetics (formerly Invitae), Labcorp
Classification: Uncertain significance. Last evaluated: 2025-02-23. Review status: criteria provided, single submitter. Criteria: Invitae Variant Classification Sherloc (09022015). Collection method: clinical testing. Allele origin: germline.
Comment: This sequence change replaces glutamine, which is neutral and polar, with lysine, which is basic and polar, at codon 315 of the IL12RB2 protein (p.Gln315Lys). This variant is not present in population databases (gnomAD no frequency). This variant has not been reported in the literature in individuals affected with IL12RB2-related conditions. An algorithm developed to predict the effect of missense changes on protein structure and function (PolyPhen-2) suggests that this variant is likely to be tolerated. In summary, the available evidence is currently insufficient to determine the role of this variant in disease. Therefore, it has been classified as a Variant of Uncertain Significance.